The following is an entry in ClinVar:

NM_000843.4(GRM6):c.1172G>C (p.Arg391Pro)

Genes: GRM6 (glutamate metabotropic receptor 6; minus strand), ZNF454 (zinc finger protein 454; plus strand). Cytogenetic location: 5q35.3.
Variant type: single nucleotide variant.
Coding change: c.1172G>C on transcript NM_000843.4 (MANE Select); coding-DNA position 1172, G replaced by C.
Protein change: p.Arg391Pro; replaces arginine 391 with proline.
Molecular consequence: missense variant.
Genome position (GRCh38, 1-based): chr5:178,989,117, C>G on the plus strand (G>C on the coding strand, the complement: GRM6 is on the minus strand). VCF-style: chr5-178989117-C-G. GRCh37 (hg19) VCF-style: chr5-178416118-C-G.
Other names: short protein forms R391P.
Identifiers: ClinVar variation 1402366 (VCV001402366.6), dbSNP rs148879923, ClinGen allele CA362430238.

ClinVar aggregate classification (germline): Uncertain significance (1 of 4 stars; one submission).

gnomAD v4.1: 3 of 1,613,988 alleles (0.00019%); highest among the groups gnomAD compares: East Asian, 0.0067%; no homozygotes.

Submission:

Labcorp Genetics (formerly Invitae), Labcorp
Classification: Uncertain significance. Last evaluated: 2021-11-01. Review status: criteria provided, single submitter. Criteria: Invitae Variant Classification Sherloc (09022015). Collection method: clinical testing. Allele origin: germline.
Comment: In summary, the available evidence is currently insufficient to determine the role of this variant in disease. Therefore, it has been classified as a Variant of Uncertain Significance. Advanced modeling of protein sequence and biophysical properties (such as structural, functional, and spatial information, amino acid conservation, physicochemical variation, residue mobility, and thermodynamic stability) performed at Invitae indicates that this missense variant is not expected to disrupt GRM6 protein function. This variant has not been reported in the literature in individuals affected with GRM6-related conditions. This variant is present in population databases (no rsID available, gnomAD 0.01%). This sequence change replaces arginine, which is basic and polar, with proline, which is neutral and non-polar, at codon 391 of the GRM6 protein (p.Arg391Pro).